The following is an entry in ClinVar:

ClinVar aggregate classification (germline): Pathogenic (1 of 4 stars; one submission).

Submission:

Labcorp Genetics (formerly Invitae), Labcorp
Classification: Pathogenic. Last evaluated: 2022-04-15. Review status: criteria provided, single submitter. Criteria: Invitae Variant Classification Sherloc (09022015). Collection method: clinical testing. Allele origin: germline.
Comment: For these reasons, this variant has been classified as Pathogenic. This variant has not been reported in the literature in individuals affected with LOXHD1-related conditions. This variant is not present in population databases (gnomAD no frequency). This sequence change creates a premature translational stop signal (p.Lys1736Serfs*4) in the LOXHD1 gene. It is expected to result in an absent or disrupted protein product. Loss-of-function variants in LOXHD1 are known to be pathogenic (PMID: 19732867, 21465660, 25792669).

Literature cited by the submitters: PubMed 19732867; PubMed 21465660; PubMed 25792669.

NM_001384474.1(LOXHD1):c.5393_5394del (p.Lys1798fs)

Gene: LOXHD1 (lipoxygenase homology PLAT domains 1; minus strand). Cytogenetic location: 18q21.1.
Variant type: Deletion.
Coding change: c.5393_5394del on transcript NM_001384474.1 (MANE Select); coding-DNA positions 5393 to 5394, 2 bases deleted (AA; older notation c.5393_5394delAA).
Protein change: p.Lys1798fs; shifts the reading frame from lysine 1798.
Molecular consequence: frameshift variant.
Genome position (GRCh38, 1-based): chr18:46,518,134-46,518,135, TT deleted on the plus strand (AA on the coding strand, the reverse complement: LOXHD1 is on the minus strand); deleting any 2 consecutive bases within chr18:46,518,134-46,518,136 gives the same sequence; the c. name uses the placement nearest the transcript's 3' end. VCF-style (leftmost placement, unchanged base first): chr18-46518133-CTT-C. GRCh37 (hg19) VCF-style: chr18-44098096-CTT-C.
Other names: c.2060_2061del, p.Lys687fs (NM_001145472.3); c.110_111del, p.Lys37fs (NM_001145473.3, NM_001173129.2); c.1772_1773del, p.Lys591fs (NM_001308013.2); c.5207_5208del, p.Lys1736fs (NM_144612.7); short protein forms K1798fs, K1736fs, K591fs, K687fs, K37fs.
Identifiers: ClinVar variation 1454101 (VCV001454101.6), dbSNP rs2144083830, ClinGen allele CA2573155274.